The following is an entry in ClinVar:

NM_052845.4(MMAB):c.66C>G (p.Phe22Leu)

Genes: MMAB (metabolism of cobalamin associated B; minus strand), MVK (mevalonate kinase; plus strand). Cytogenetic location: 12q24.11.
Variant type: single nucleotide variant.
Coding change: c.66C>G on transcript NM_052845.4 (MANE Select); coding-DNA position 66, C replaced by G.
Protein change: p.Phe22Leu; replaces phenylalanine 22 with leucine.
Molecular consequence: missense variant. On other transcripts: non-coding transcript variant (1).
Genome position (GRCh38, 1-based): chr12:109,573,415, G>C on the plus strand (C>G on the coding strand, the complement: MMAB is on the minus strand). VCF-style: chr12-109573415-G-C. GRCh37 (hg19) VCF-style: chr12-110011220-G-C.
Other names: short protein forms F22L.
Identifiers: ClinVar variation 2144216 (VCV002144216.4), dbSNP rs765869812, ClinGen allele CA6779070.
Genomic context (GRCh38, chr12:109,573,415, plus strand): 5'-GTCTTCCACGCCCTGAGGGCCGCGGCTCTGGAAACGGGGATACAGGAGCCTGGCGGCGCC[G>C]AAGCACCCGCGCAGGCCAAGACGGCTCCCCAGGCCAAGACGGCTCCCCAGGCCGCACACA-3'
Protein context (NP_443077.1, residues 12-32): LGSRLGLRGC[Phe22Leu]GAARLLYPRF

ClinVar aggregate classification (germline): Uncertain significance (1 of 4 stars; one submission).

Conditions:
Methylmalonic aciduria, cblB type (MACB). Also called: Methylmalonic acidemia cblB type; Vitamin B12-responsive methylmalonic acidemia type cblB; METHYLMALONIC ACIDURIA, VITAMIN B12-RESPONSIVE, DUE TO DEFECT IN SYNTHESIS OF ADENOSYLCOBALAMIN, cblB TYPE. Identifiers: Orphanet 28, Orphanet 79311, MedGen C1855102, MONDO:0009614, OMIM 251110.

Allele frequency attached by ClinVar (database versions not stated): ExAC 0.00004.
gnomAD v4.1: 9 of 1,610,022 alleles (0.00056%); highest among the groups gnomAD compares: Admixed American, 0.013%; no homozygotes.

Submission:

Labcorp Genetics (formerly Invitae), Labcorp
Classification: Uncertain significance for Methylmalonic aciduria, cblB type. Last evaluated: 2025-05-05. Review status: criteria provided, single submitter. Criteria: Invitae Variant Classification Sherloc (09022015). Collection method: clinical testing. Allele origin: germline.
Comment: This sequence change replaces phenylalanine, which is neutral and non-polar, with leucine, which is neutral and non-polar, at codon 22 of the MMAB protein (p.Phe22Leu). This variant is present in population databases (rs765869812, gnomAD 0.02%). This variant has not been reported in the literature in individuals affected with MMAB-related conditions. ClinVar contains an entry for this variant (Variation ID: 2144216). Invitae Evidence Modeling of protein sequence and biophysical properties (such as structural, functional, and spatial information, amino acid conservation, physicochemical variation, residue mobility, and thermodynamic stability) indicates that this missense variant is not expected to disrupt MMAB protein function with a negative predictive value of 95%. In summary, the available evidence is currently insufficient to determine the role of this variant in disease. Therefore, it has been classified as a Variant of Uncertain Significance.